The following is an entry in ClinVar:

NM_031308.4(EPPK1):c.6459G>A (p.Thr2153=)

Gene: EPPK1 (epiplakin 1; minus strand). Cytogenetic location: 8q24.3.
Variant type: single nucleotide variant.
Coding change: c.6459G>A on transcript NM_031308.4 (MANE Select); coding-DNA position 6459, G replaced by A.
Protein change: p.Thr2153=; no amino-acid change (threonine 2153 retained).
Molecular consequence: synonymous variant.
Genome position (GRCh38, 1-based): chr8:143,866,795, C>T on the plus strand (G>A on the coding strand, the complement: EPPK1 is on the minus strand). VCF-style: chr8-143866795-C-T. GRCh37 (hg19) VCF-style: chr8-144940963-C-T.
Identifiers: ClinVar variation 2658925 (VCV002658925.25), dbSNP rs114125680, ClinGen allele CA4921746.

ClinVar aggregate classification (germline): Likely benign. Review status: criteria provided, single submitter (1 of 4 stars). 2 submissions from 2 submitters: Likely benign (1). 1 of the submissions does not count toward it. Last evaluated 2022-06-01.

Conditions:
EPPK1-related disorder. Also called: EPPK1-related condition.

Allele frequency attached by ClinVar (database versions not stated): 1000 Genomes Project 30x 0.00078; 1000 Genomes Project 0.00100; ESP Exome Variant Server 0.00183; TOPMed 0.00217.
gnomAD v4.1: 3,852 of 1,613,474 alleles (0.24%); highest among the groups gnomAD compares: Non-Finnish European, 0.28%; 6 homozygotes.

Submissions (2):

CeGaT Center for Human Genetics Tuebingen
Classification: Likely benign. Last evaluated: 2022-06-01. Review status: criteria provided, single submitter. Criteria: CeGaT Center For Human Genetics Tuebingen Variant Classification Criteria Version 2. Collection method: clinical testing. Allele origin: germline. Affected: yes. Observed: 1 variant allele.
Comment: EPPK1: BP4, BP7

PreventionGenetics, part of Exact Sciences
Classification: Likely benign for EPPK1-related condition. Last evaluated: 2021-05-04. Review status: no assertion criteria provided. Collection method: clinical testing. Allele origin: germline. Not counted in ClinVar's aggregate classification.
Comment: This variant is classified as likely benign based on ACMG/AMP sequence variant interpretation guidelines (Richards et al. 2015 PMID: 25741868, with internal and published modifications).